The following is an entry in ClinVar:

NM_003797.5(EED):c.710A>G (p.Asp237Gly)

Gene: EED (embryonic ectoderm development; plus strand). Cytogenetic location: 11q14.2.
Variant type: single nucleotide variant.
Coding change: c.710A>G on transcript NM_003797.5 (MANE Select); coding-DNA position 710, A replaced by G.
Protein change: p.Asp237Gly; replaces aspartic acid 237 with glycine.
Molecular consequence: missense variant.
Genome position (GRCh38, 1-based): chr11:86,264,247, A>G. VCF-style: chr11-86264247-A-G. GRCh37 (hg19) VCF-style: chr11-85975289-A-G.
Other names: c.710A>G, p.Asp237Gly (NM_001308007.2, NM_001330334.2, NM_001440586.1 and 7 more transcripts); c.617A>G, p.Asp206Gly (NM_001440587.1, NM_001440594.1, NM_001440600.1 and 1 more transcripts); c.644A>G, p.Asp215Gly (NM_001440591.1); c.464A>G, p.Asp155Gly (NM_001440598.1, NM_001440601.1); c.518A>G, p.Asp173Gly (NM_001440599.1); short protein forms D155G, D173G, D206G, D215G, D237G.
Identifiers: ClinVar variation 4531366 (VCV004531366.2).

ClinVar aggregate classification (germline): Likely pathogenic. Review status: criteria provided, multiple submitters, no conflicts (2 of 4 stars). 2 submissions from 2 submitters: Likely pathogenic (2). Last evaluated 2025-10-02.

Conditions:
EED-related disorders.
Cohen-Gibson syndrome (COGIS). Also called: EED-Related Overgrowth. Identifiers: Orphanet 659396, MedGen C4479654, MONDO:0060510, OMIM 617561.

Submissions (2):

Victorian Clinical Genetics Services, Murdoch Childrens Research Institute
Classification: Likely pathogenic for Cohen-Gibson syndrome. Last evaluated: 2025-10-02. Review status: criteria provided, single submitter. Criteria: ACMG Guidelines, 2015. Collection method: clinical testing. Allele origin: germline. Affected: yes.
Comment: This variant is classified as Likely pathogenic. Evidence in support of pathogenic classification: Variant is absent from gnomAD (v2, v3 and v4); This variant has limited previous evidence of pathogenicity in an unrelated individual(s). This variant has been reported in the literature in a family with Cohen-Gibson syndrome (PMID: 37840385); This variant has limited evidence for segregation with disease. This variant has been shown to segregate with Cohen-Gibson syndrome in one family in the literature (PMID: 37840385). Additional information: Variant is predicted to result in a missense amino acid change from Asp to Gly; This gene is associated with autosomal dominant disease; No published functional evidence has been identified for this variant; No comparable missense variants have previous evidence for pathogenicity; Variant is located in the annotated WD domain (DECIPHER); Missense variant with inconclusive in silico prediction and uninformative conservation; The mechanism of disease for this gene is not clearly established; however, loss of function has been suggested (PMID: 30858506).

Blueprint Genetics
Classification: Likely pathogenic for EED-related disorders. Last evaluated: 2023-06-26. Review status: criteria provided, single submitter. Criteria: ACMG Guidelines, 2015. Collection method: clinical testing. Allele origin: germline. Affected: yes. Observed: 1 variant allele.

Literature cited by the submitters: PubMed 30858506 (cited by Victorian Clinical Genetics Services, Murdoch Childrens Research Institute); PubMed 37840385 (cited by Victorian Clinical Genetics Services, Murdoch Childrens Research Institute).